The following is an entry in ClinVar:

ClinVar aggregate classification (germline): Uncertain significance. Review status: criteria provided, multiple submitters, no conflicts (2 of 4 stars). 2 submissions from 2 submitters: Uncertain significance (2). Last evaluated 2025-08-20.

Conditions:
Inborn genetic diseases. Identifiers: MedGen C0950123, MeSH D030342.

gnomAD v4.1: 4 of 1,596,158 alleles (0.00025%); highest among the groups gnomAD compares: Non-Finnish European, 0.00034%; no homozygotes.

Submissions (2):

Ambry Genetics
Classification: Uncertain significance for Inborn genetic diseases. Last evaluated: 2025-08-20. Review status: criteria provided, single submitter. Criteria: Ambry Variant Classification Scheme 2023. Collection method: clinical testing. Allele origin: germline.

Labcorp Genetics (formerly Invitae), Labcorp
Classification: Uncertain significance. Last evaluated: 2022-06-04. Review status: criteria provided, single submitter. Criteria: Invitae Variant Classification Sherloc (09022015). Collection method: clinical testing. Allele origin: germline.
Comment: This sequence change replaces threonine, which is neutral and polar, with arginine, which is basic and polar, at codon 2655 of the ITPR1 protein (p.Thr2655Arg). This variant is not present in population databases (gnomAD no frequency). This variant has not been reported in the literature in individuals affected with ITPR1-related conditions. Algorithms developed to predict the effect of missense changes on protein structure and function (SIFT, PolyPhen-2, Align-GVGD) all suggest that this variant is likely to be tolerated. Algorithms developed to predict the effect of sequence changes on RNA splicing suggest that this variant may create or strengthen a splice site. In summary, the available evidence is currently insufficient to determine the role of this variant in disease. Therefore, it has been classified as a Variant of Uncertain Significance.

NM_001378452.1(ITPR1):c.8153C>G (p.Thr2718Arg)

Gene: ITPR1 (inositol 1,4,5-trisphosphate receptor type 1; plus strand). Cytogenetic location: 3p26.1.
Variant type: single nucleotide variant.
Coding change: c.8153C>G on transcript NM_001378452.1 (MANE Select); coding-DNA position 8153, C replaced by G.
Protein change: p.Thr2718Arg; replaces threonine 2718 with arginine.
Molecular consequence: missense variant.
Genome position (GRCh38, 1-based): chr3:4,836,898, C>G. VCF-style: chr3-4836898-C-G. GRCh37 (hg19) VCF-style: chr3-4878582-C-G.
Other names: c.8009C>G, p.Thr2670Arg (NM_001099952.4); c.8108C>G, p.Thr2703Arg (NM_001168272.2); c.7964C>G, p.Thr2655Arg (NM_002222.7); c.7964C>G (NM_002222.5); short protein forms T2655R, T2718R, T2703R, T2670R.
Identifiers: ClinVar variation 1977176 (VCV001977176.6), dbSNP rs773363106, ClinGen allele CA351793864.